The following is an entry in ClinVar:

ClinVar aggregate classification (germline): Likely benign. Review status: criteria provided, multiple submitters, no conflicts (2 of 4 stars). 2 submissions from 2 submitters: Likely benign (2). Last evaluated 2026-04-01.

Conditions:
Alzheimer disease. Also called: Presenile and senile dementia; Alzheimer's disease. Identifiers: Orphanet 1020, MedGen C0002395, MeSH D000544, MONDO:0004975, HP:0002511.

Allele frequency attached by ClinVar (database versions not stated): ExAC 0.00001; gnomAD 0.00002; gnomAD exomes 0.00002; TOPMed 0.00002.
gnomAD v4.1: 33 of 1,613,704 alleles (0.002%); highest among the groups gnomAD compares: Non-Finnish European, 0.0025%; no homozygotes.

Submissions (2):

CeGaT Center for Human Genetics Tuebingen
Classification: Likely benign. Last evaluated: 2026-04-01. Review status: criteria provided, single submitter. Criteria: CeGaT Center For Human Genetics Tuebingen Variant Classification Criteria Version 2. Collection method: clinical testing. Allele origin: germline. Affected: yes. Observed: 1 variant allele.
Comment: APP: BP4, BP7

Labcorp Genetics (formerly Invitae), Labcorp
Classification: Likely benign for Alzheimer disease. Last evaluated: 2022-01-28. Review status: criteria provided, single submitter. Criteria: Invitae Variant Classification Sherloc (09022015). Collection method: clinical testing. Allele origin: germline.

NM_000484.4(APP):c.843G>A (p.Glu281=)

Gene: APP (amyloid beta precursor protein; minus strand). Cytogenetic location: 21q21.3.
Variant type: single nucleotide variant.
Coding change: c.843G>A on transcript NM_000484.4 (MANE Select); coding-DNA position 843, G replaced by A.
Protein change: p.Glu281=; no amino-acid change (glutamic acid 281 retained).
Molecular consequence: synonymous variant.
Genome position (GRCh38, 1-based): chr21:26,021,862, C>T on the plus strand (G>A on the coding strand, the complement: APP is on the minus strand). VCF-style: chr21-26021862-C-T. GRCh37 (hg19) VCF-style: chr21-27394178-C-T.
Other names: c.828G>A, p.Glu276= (NM_001136016.3); c.675G>A, p.Glu225= (NM_001136129.3, NM_001136130.3); c.738G>A, p.Glu246= (NM_001136131.3); c.843G>A, p.Glu281= (NM_001204301.2, NM_001204302.2, NM_001204303.2 and 3 more transcripts).
Identifiers: ClinVar variation 2055873 (VCV002055873.6), dbSNP rs775689062, ClinGen allele CA9987549.